The following is an entry in ClinVar:

NM_001123385.2(BCOR):c.365T>C (p.Met122Thr)

Gene: BCOR (BCL6 corepressor; minus strand). Cytogenetic location: Xp11.4.
Variant type: single nucleotide variant.
Coding change: c.365T>C on transcript NM_001123385.2 (MANE Select); coding-DNA position 365, T replaced by C.
Protein change: p.Met122Thr; replaces methionine 122 with threonine.
Molecular consequence: missense variant.
Genome position (GRCh38, 1-based): chrX:40,074,981, A>G on the plus strand (T>C on the coding strand, the complement: BCOR is on the minus strand). VCF-style: chrX-40074981-A-G. GRCh37 (hg19) VCF-style: chrX-39934234-A-G.
Other names: c.365T>C, p.Met122Thr (NM_001123384.2, NM_017745.6, NM_001123383.2); short protein forms M122T.
Identifiers: ClinVar variation 133689 (VCV000133689.4), dbSNP rs369585835, ClinGen allele CA157343.

ClinVar aggregate classification (germline): Conflicting classifications of pathogenicity. Review status: criteria provided, conflicting classifications (1 of 4 stars). 3 submissions from 3 submitters: Uncertain significance (1); Likely benign (1). 1 of the submissions does not count toward it. Last evaluated 2025-10-13.

Conditions:
Inborn genetic diseases. Identifiers: MedGen C0950123, MeSH D030342.
Oculofaciocardiodental syndrome (MCOPS2). Identifiers: Orphanet 2712, MedGen C1846265, MONDO:0010261, OMIM 300166.

Allele frequency attached by ClinVar (database versions not stated): gnomAD exomes 0.00001 and 0.00002; ExAC 0.00002; TOPMed 0.00005; gnomAD 0.00008 and 0.00010; ESP Exome Variant Server 0.00009.

Submissions (3):

Labcorp Genetics (formerly Invitae), Labcorp
Classification: Uncertain significance for Oculofaciocardiodental syndrome. Last evaluated: 2025-10-13. Review status: criteria provided, single submitter. Criteria: Invitae Variant Classification Sherloc (09022015). Collection method: clinical testing. Allele origin: germline.
Comment: This sequence change replaces methionine, which is neutral and non-polar, with threonine, which is neutral and polar, at codon 122 of the BCOR protein (p.Met122Thr). This variant is present in population databases (rs369585835, gnomAD 0.03%). This variant has not been reported in the literature in individuals affected with BCOR-related conditions. ClinVar contains an entry for this variant (Variation ID: 133689). An algorithm developed to predict the effect of missense changes on protein structure and function (PolyPhen-2) suggests that this variant is likely to be tolerated. In summary, the available evidence is currently insufficient to determine the role of this variant in disease. Therefore, it has been classified as a Variant of Uncertain Significance.

Ambry Genetics
Classification: Likely benign for Inborn genetic diseases. Last evaluated: 2021-12-14. Review status: criteria provided, single submitter. Criteria: Ambry Variant Classification Scheme 2023. Collection method: clinical testing. Allele origin: germline.

ITMI
No classification provided. Condition: AllHighlyPenetrant. Last evaluated: 2013-09-19. Review status: no classification provided. Collection method: reference population. Allele origin: germline. Not counted in ClinVar's aggregate classification.
Comment: Please see associated publication for description of ethnicities

Literature cited by the submitters: PubMed 24728327 (cited by ITMI).